The following is an entry in ClinVar:

NM_001083961.2(WDR62):c.363del (p.Asp122fs)

Gene: WDR62 (WD repeat domain 62; plus strand). Cytogenetic location: 19q13.12.
Variant type: Deletion.
Coding change: c.363del on transcript NM_001083961.2 (MANE Select); coding-DNA position 363, one base deleted (T; older notation c.363delT).
Protein change: p.Asp122fs; shifts the reading frame from aspartic acid 122.
Molecular consequence: frameshift variant.
Genome position (GRCh38, 1-based): chr19:36,065,988, T deleted. VCF-style (leftmost placement, unchanged base first): chr19-36065987-CT-C. GRCh37 (hg19) VCF-style: chr19-36556889-CT-C.
Other names: c.363del, p.Asp122fs (NM_173636.5); short protein forms D122fs.
Identifiers: ClinVar variation 31039 (VCV000031039.2), dbSNP rs587776901, ClinGen allele CA259978.
Genomic context (GRCh38, chr19:36,065,987, plus strand): 5'-ACCAGTGATCAGCTCTTTTCTTTATCCCCAGGAAGTCTCTCAGTGCTCTGGCCTTCTCCC[CT>C]GATGGGAAGTACATAGTGACAGGGGAGGTGAGTCGTGATCGTGACTGAGTGGGAGTCGGG-3'

ClinVar aggregate classification (germline): Pathogenic. Review status: criteria provided, single submitter (1 of 4 stars). 2 submissions from 2 submitters: Pathogenic (1). 1 of the submissions does not count toward it. Last evaluated 2026-03-24.

Conditions:
Microcephaly 2, primary, autosomal recessive, with or without cortical malformations. Also called: MICROCEPHALY 2, PRIMARY, AUTOSOMAL RECESSIVE, WITH CORTICAL MALFORMATIONS; WDR62 Primary Microcephaly. Identifiers: Orphanet 2512, MedGen C1858535, MONDO:0011435, OMIM 604317.

Allele frequency attached by ClinVar (database versions not stated): gnomAD exomes below 0.00001 and 0.00001; TOPMed 0.00001; ExAC 0.00001.

Submissions (2):

GeneDx
Classification: Pathogenic. Last evaluated: 2026-03-24. Review status: criteria provided, single submitter. Criteria: GeneDx Variant Classification Process June 2021. Collection method: clinical testing. Allele origin: germline.
Comment: Frameshift variant predicted to result in protein truncation or nonsense mediated decay in a gene for which loss of function is a known mechanism of disease; Not observed at significant frequency in large population cohorts (gnomAD); This variant is associated with the following publications: (PMID: 20890278)

OMIM
Classification: Pathogenic for MICROCEPHALY 2, PRIMARY, AUTOSOMAL RECESSIVE, WITH CORTICAL MALFORMATIONS. Last evaluated: 2010-11-01. Review status: no assertion criteria provided. Collection method: literature only. Allele origin: germline. Not counted in ClinVar's aggregate classification.

Literature cited by the submitters: PubMed 20890278 (cited by OMIM).